The following is an entry in ClinVar:

ClinVar aggregate classification (germline): Uncertain significance. Review status: criteria provided, multiple submitters, no conflicts (2 of 4 stars). 4 submissions from 4 submitters: Uncertain significance (4). Last evaluated 2025-11-04.

Conditions:
Inborn genetic diseases. Identifiers: MedGen C0950123, MeSH D030342.

Allele frequency attached by ClinVar (database versions not stated): ExAC 0.00003; gnomAD 0.00003 and 0.00004; gnomAD exomes 0.00004 and 0.00006; TOPMed 0.00005.
gnomAD v4.1: 87 of 1,613,728 alleles (0.0054%); highest among the groups gnomAD compares: Non-Finnish European, 0.0072%; 1 homozygote.

Submissions (4):

Labcorp Genetics (formerly Invitae), Labcorp
Classification: Uncertain significance. Last evaluated: 2025-11-04. Review status: criteria provided, single submitter. Criteria: Invitae Variant Classification Sherloc (09022015). Collection method: clinical testing. Allele origin: germline.
Comment: This sequence change replaces proline, which is neutral and non-polar, with glutamine, which is neutral and polar, at codon 2822 of the ADGRV1 protein (p.Pro2822Gln). This variant is present in population databases (rs769289784, gnomAD 0.007%). This variant has not been reported in the literature in individuals affected with ADGRV1-related conditions. ClinVar contains an entry for this variant (Variation ID: 854335). Invitae Evidence Modeling of protein sequence and biophysical properties (such as structural, functional, and spatial information, amino acid conservation, physicochemical variation, residue mobility, and thermodynamic stability) indicates that this missense variant is not expected to disrupt ADGRV1 protein function with a negative predictive value of 80%. In summary, the available evidence is currently insufficient to determine the role of this variant in disease. Therefore, it has been classified as a Variant of Uncertain Significance.

Blueprint Genetics
Classification: Uncertain significance. Last evaluated: 2024-08-12. Review status: criteria provided, single submitter. Criteria: ACMG Guidelines, 2015. Collection method: clinical testing. Allele origin: germline.

Ambry Genetics
Classification: Uncertain significance for Inborn genetic diseases. Last evaluated: 2024-01-03. Review status: criteria provided, single submitter. Criteria: Ambry Variant Classification Scheme 2023. Collection method: clinical testing. Allele origin: germline.

GeneDx
Classification: Uncertain significance. Last evaluated: 2022-10-03. Review status: criteria provided, single submitter. Criteria: GeneDx Variant Classification Process June 2021. Collection method: clinical testing. Allele origin: germline. Affected: yes.
Comment: In silico analysis supports that this missense variant has a deleterious effect on protein structure/function; Has not been previously published as pathogenic or benign to our knowledge

NM_032119.4(ADGRV1):c.8465C>A (p.Pro2822Gln)

Gene: ADGRV1 (adhesion G protein-coupled receptor V1; plus strand). Cytogenetic location: 5q14.3.
Variant type: single nucleotide variant.
Coding change: c.8465C>A on transcript NM_032119.4 (MANE Select); coding-DNA position 8465, C replaced by A.
Protein change: p.Pro2822Gln; replaces proline 2822 with glutamine.
Molecular consequence: missense variant. On other transcripts: non-coding transcript variant (1).
Genome position (GRCh38, 1-based): chr5:90,705,478, C>A. VCF-style: chr5-90705478-C-A. GRCh37 (hg19) VCF-style: chr5-90001295-C-A.
Other names: short protein forms P2822Q.
Identifiers: ClinVar variation 854335 (VCV000854335.9), dbSNP rs769289784, ClinGen allele CA3340268.